The following is an entry in ClinVar:

NM_004557.4(NOTCH4):c.3927C>T (p.Asp1309=)

Gene: NOTCH4 (notch receptor 4; minus strand). Cytogenetic location: 6p21.32.
Variant type: single nucleotide variant.
Coding change: c.3927C>T on transcript NM_004557.4 (MANE Select); coding-DNA position 3927, C replaced by T.
Protein change: p.Asp1309=; no amino-acid change (aspartic acid 1309 retained).
Molecular consequence: synonymous variant. On other transcripts: non-coding transcript variant (2).
Genome position (GRCh38, 1-based): chr6:32,201,329, G>A on the plus strand (C>T on the coding strand, the complement: NOTCH4 is on the minus strand). VCF-style: chr6-32201329-G-A. GRCh37 (hg19) VCF-style: chr6-32169106-G-A.
Identifiers: ClinVar variation 2656449 (VCV002656449.24), dbSNP rs774869868, ClinGen allele CA3739366.

ClinVar aggregate classification (germline): Likely benign (1 of 4 stars; one submission).

Allele frequency attached by ClinVar (database versions not stated): ExAC 0.00005; gnomAD 0.00005; TOPMed 0.00005.

Submission:

CeGaT Center for Human Genetics Tuebingen
Classification: Likely benign. Last evaluated: 2022-06-01. Review status: criteria provided, single submitter. Criteria: CeGaT Center For Human Genetics Tuebingen Variant Classification Criteria Version 2. Collection method: clinical testing. Allele origin: germline. Affected: yes. Observed: 1 variant allele.
Comment: NOTCH4: BP4, BP7